The following is an entry in ClinVar:

NM_003242.6(TGFBR2):c.1555G>C (p.Glu519Gln)

Gene: TGFBR2 (transforming growth factor beta receptor 2; plus strand). Cytogenetic location: 3p24.1.
Variant type: single nucleotide variant.
Coding change: c.1555G>C on transcript NM_003242.6 (MANE Select); coding-DNA position 1555, G replaced by C.
Protein change: p.Glu519Gln; replaces glutamic acid 519 with glutamine.
Molecular consequence: missense variant.
Genome position (GRCh38, 1-based): chr3:30,691,450, G>C. VCF-style: chr3-30691450-G-C. GRCh37 (hg19) VCF-style: chr3-30732942-G-C.
Other names: c.1630G>C, p.Glu544Gln (NM_001024847.3); c.1738G>C, p.Glu580Gln (NM_001407126.1); c.1663G>C, p.Glu555Gln (NM_001407127.1); c.1582G>C, p.Glu528Gln (NM_001407128.1); c.1558G>C, p.Glu520Gln (NM_001407129.1); c.1552G>C, p.Glu518Gln (NM_001407130.1); c.1450G>C, p.Glu484Gln (NM_001407132.1, NM_001407133.1, NM_001407134.1 and 2 more transcripts); c.1270G>C, p.Glu424Gln (NM_001407137.1); and 2 more; short protein forms E229Q, E399Q, E518Q, E520Q, E528Q, E580Q, E424Q, E519Q.
Identifiers: ClinVar variation 1775148 (VCV001775148.2), dbSNP rs2125455181, ClinGen allele CA351809543.
Genomic context (GRCh38, chr3:30,691,450, plus strand): 5'-GGTGCCCTTTGGATCTCTTTCCCGCTACAGGGCATCCAGATGGTGTGTGAGACGTTGACT[G>C]AGTGCTGGGACCACGACCCAGAGGCCCGTCTCACAGCCCAGTGTGTGGCAGAACGCTTCA-3'
Protein context (NP_003233.4, residues 509-529): GIQMVCETLT[Glu519Gln]CWDHDPEARL

ClinVar aggregate classification (germline): Uncertain significance (1 of 4 stars; one submission).

Conditions:
Familial thoracic aortic aneurysm and aortic dissection (TAAD). Also called: Thoracic aortic aneurysms and dissections. Identifiers: Orphanet 91387, MedGen C4707243, MONDO:0019625.

Submission:

Ambry Genetics
Classification: Uncertain significance for Familial thoracic aortic aneurysm and aortic dissection. Last evaluated: 2020-06-25. Review status: criteria provided, single submitter. Criteria: Ambry Variant Classification Scheme 2023. Collection method: clinical testing. Allele origin: germline.
Comment: The p.E519Q variant (also known as c.1555G>C), located in coding exon 7 of the TGFBR2 gene, results from a G to C substitution at nucleotide position 1555. The glutamic acid at codon 519 is replaced by glutamine, an amino acid with highly similar properties. This amino acid position is highly conserved in available vertebrate species. In addition, the in silico prediction for this alteration is inconclusive. Since supporting evidence is limited at this time, the clinical significance of this alteration remains unclear.